The following is an entry in ClinVar:

ClinVar aggregate classification (germline): Conflicting classifications of pathogenicity. Review status: criteria provided, conflicting classifications (1 of 4 stars). 3 submissions from 3 submitters: Uncertain significance (2); Likely benign (1). Last evaluated 2024-03-22.

Conditions:
Cardiovascular phenotype. Identifiers: MedGen CN230736.
Alstrom syndrome (ALMS). Identifiers: Orphanet 64, MedGen C0268425, MONDO:0008763, OMIM 203800.

Allele frequency attached by ClinVar (database versions not stated): gnomAD exomes below 0.00001.
gnomAD v4.1: 3 of 1,613,796 alleles (0.00019%); highest among the groups gnomAD compares: Non-Finnish European, 0.00025%; no homozygotes.

Submissions (3):

Ambry Genetics
Classification: Likely benign for Cardiovascular phenotype. Last evaluated: 2024-03-22. Review status: criteria provided, single submitter. Criteria: Ambry Variant Classification Scheme 2023. Collection method: clinical testing. Allele origin: germline.

Fulgent Genetics
Classification: Uncertain significance for Alstrom syndrome. Last evaluated: 2021-11-04. Review status: criteria provided, single submitter. Criteria: ACMG Guidelines, 2015. Collection method: clinical testing. Allele origin: unknown.

Labcorp Genetics (formerly Invitae), Labcorp
Classification: Uncertain significance for Alstrom syndrome. Last evaluated: 2021-10-06. Review status: criteria provided, single submitter. Criteria: Invitae Variant Classification Sherloc (09022015). Collection method: clinical testing. Allele origin: germline.
Comment: This sequence change replaces serine with asparagine at codon 772 of the ALMS1 protein (p.Ser772Asn). The serine residue is moderately conserved and there is a small physicochemical difference between serine and asparagine. This variant is not present in population databases (ExAC no frequency). This variant has not been reported in the literature in individuals with ALMS1-related conditions. Experimental studies and prediction algorithms are not available or were not evaluated, and the functional significance of this variant is currently unknown. In summary, the available evidence is currently insufficient to determine the role of this variant in disease. Therefore, it has been classified as a Variant of Uncertain Significance.

NM_001378454.1(ALMS1):c.2312G>A (p.Ser771Asn)

Gene: ALMS1 (ALMS1 centrosome and basal body associated protein; plus strand). Cytogenetic location: 2p13.1.
Variant type: single nucleotide variant.
Coding change: c.2312G>A on transcript NM_001378454.1 (MANE Select); coding-DNA position 2312, G replaced by A.
Protein change: p.Ser771Asn; replaces serine 771 with asparagine.
Molecular consequence: missense variant.
Genome position (GRCh38, 1-based): chr2:73,448,839, G>A. VCF-style: chr2-73448839-G-A. GRCh37 (hg19) VCF-style: chr2-73675966-G-A.
Other names: c.2315G>A, p.Ser772Asn (NM_015120.4); short protein forms S772N, S771N.
Identifiers: ClinVar variation 1402014 (VCV001402014.5), dbSNP rs2103774719, ClinGen allele CA347269513.
Genomic context (GRCh38, chr2:73,448,839, plus strand): 5'-ACCAGAAGACTGAGATACCAGCAGTACAGTCTAGTTCTTACTCACAAAGAGAAAAGCCTA[G>A]TATTTTGTACCCACAGGACTTAGCAGACAGTCATCTACCTGAAGAGGGTCTGAAAGTTTC-3'
Protein context (NP_001365383.1, residues 761-781): SSSYSQREKP[Ser771Asn]ILYPQDLADS